The following is an entry in ClinVar:

NM_001040616.3(LINS1):c.1007C>G (p.Ala336Gly)

Gene: LINS1 (lines homolog 1; minus strand). Cytogenetic location: 15q26.3.
Variant type: single nucleotide variant.
Coding change: c.1007C>G on transcript NM_001040616.3 (MANE Select); coding-DNA position 1007, C replaced by G.
Protein change: p.Ala336Gly; replaces alanine 336 with glycine.
Molecular consequence: missense variant. On other transcripts: non-coding transcript variant (3).
Genome position (GRCh38, 1-based): chr15:100,573,866, G>C on the plus strand (C>G on the coding strand, the complement: LINS1 is on the minus strand). VCF-style: chr15-100573866-G-C. GRCh37 (hg19) VCF-style: chr15-101114071-G-C.
Other names: c.260C>G, p.Ala87Gly (NM_001352507.2); c.962C>G, p.Ala321Gly (NM_001352508.2); short protein forms A321G, A336G, A87G.
Identifiers: ClinVar variation 1800311 (VCV001800311.2), dbSNP rs1305230412, ClinGen allele CA393935683.

ClinVar aggregate classification (germline): Uncertain significance (1 of 4 stars; one submission).

Conditions:
Inborn genetic diseases. Identifiers: MedGen C0950123, MeSH D030342.

gnomAD v4.1: 1 of 1,614,222 alleles (0.000062%); highest among the groups gnomAD compares: Non-Finnish European, 0.000085%; no homozygotes.

Submission:

Ambry Genetics
Classification: Uncertain significance for Inborn genetic diseases. Last evaluated: 2018-09-16. Review status: criteria provided, single submitter. Criteria: Ambry Variant Classification Scheme 2023. Collection method: clinical testing. Allele origin: germline.
Comment: The p.A336G variant (also known as c.1007C>G), located in coding exon 4 of the LINS gene, results from a C to G substitution at nucleotide position 1007. The alanine at codon 336 is replaced by glycine, an amino acid with similar properties. This amino acid position is not well conserved in available vertebrate species. In addition, this alteration is predicted to be tolerated by in silico analysis. Since supporting evidence is limited at this time, the clinical significance of this alteration remains unclear.